The following is an entry in ClinVar:

ClinVar aggregate classification (germline): Uncertain significance. Review status: criteria provided, multiple submitters, no conflicts (2 of 4 stars). 2 submissions from 2 submitters: Uncertain significance (2). Last evaluated 2025-09-23.

Conditions:
Xeroderma pigmentosum group A (XPA). Also called: Xeroderma pigmentosum, complementation group A; XP, group A; XPA-Related Xeroderma Pigmentosum. Identifiers: Orphanet 910, MedGen C0268135, MONDO:0010210, OMIM 278700.

Submissions (2):

Myriad Genetics, Inc.
Classification: Uncertain significance for Xeroderma pigmentosum group A. Last evaluated: 2025-09-23. Review status: criteria provided, single submitter. Criteria: Myriad Autosomal Dominant, Autosomal Recessive and X-Linked Classification Criteria (2023). Collection method: clinical testing. Allele origin: unknown.
Comment: NM_000380.3(XPA):c.250_252delGAA(E84del) is an in-frame deletion classified as a variant of uncertain significance in the context of xeroderma pigmentosum group A. E84del has not been observed in cases with relevant disease. Relevant functional assessments of this variant are not available in the literature. E84del has been observed in referenced population frequency databases. In summary, there is insufficient evidence to classify NM_000380.3(XPA):c.250_252delGAA(E84del) as pathogenic or benign. Please note: this variant was assessed in the context of healthy population screening.

Fulgent Genetics
Classification: Uncertain significance for Xeroderma pigmentosum group A. Last evaluated: 2024-01-10. Review status: criteria provided, single submitter. Criteria: ACMG Guidelines, 2015. Collection method: clinical testing. Allele origin: germline.

NM_000380.4(XPA):c.238GAA[4] (p.Glu84del)

Gene: XPA (XPA, DNA damage recognition and repair factor; minus strand). Cytogenetic location: 9q22.33.
Variant type: Microsatellite.
Coding change: c.238GAA[4] on transcript NM_000380.4 (MANE Select); four copies in a row of the 3-base unit GAA starting at c.238; the reference has five copies in a row; one copy, 3 bases deleted; also written c.250_252del.
Protein change: p.Glu84del; deletes glutamic acid 84.
Molecular consequence: non-coding transcript variant (on NR_027302.2).
Genome position (GRCh38, 1-based): chr9:97,693,680-97,693,682, TTC deleted on the plus strand (GAA on the coding strand, the reverse complement: XPA is on the minus strand); deleting any 3 consecutive bases within chr9:97,693,680-97,693,694 gives the same sequence; the position shown is the placement nearest the transcript's 3' end. VCF-style (leftmost placement, unchanged base first): chr9-97693679-GTTC-G. GRCh37 (hg19) VCF-style: chr9-100455961-GTTC-G.
Other names: c.250_252del (NM_000380.4); c.112GAA[4], p.Glu42del (NM_001354975.2); short protein forms E84del, E42del.
Identifiers: ClinVar variation 3596014 (VCV003596014.2).